The following is an entry in ClinVar:

NM_015692.5(CPAMD8):c.3415C>A (p.Arg1139=)

Gene: CPAMD8 (C3 and PZP like alpha-2-macroglobulin domain containing 8; minus strand). Cytogenetic location: 19p13.11.
Variant type: single nucleotide variant.
Coding change: c.3415C>A on transcript NM_015692.5 (MANE Select); coding-DNA position 3415, C replaced by A.
Protein change: p.Arg1139=; no amino-acid change (arginine 1139 retained).
Molecular consequence: synonymous variant.
Genome position (GRCh38, 1-based): chr19:16,925,328, G>T on the plus strand (C>A on the coding strand, the complement: CPAMD8 is on the minus strand). VCF-style: chr19-16925328-G-T. GRCh37 (hg19) VCF-style: chr19-17036138-G-T.
Identifiers: ClinVar variation 3051141 (VCV003051141.3), dbSNP rs370777148, ClinGen allele CA9284985.

ClinVar aggregate classification (germline): Likely benign. Review status: criteria provided, single submitter (1 of 4 stars). 2 submissions from 2 submitters: Likely benign (1). 1 of the submissions does not count toward it. Last evaluated 2025-03-27.

Conditions:
CPAMD8-related disorder. Also called: CPAMD8-related condition.

Allele frequency attached by ClinVar (database versions not stated): ESP Exome Variant Server 0.00041.
gnomAD v4.1: 215 of 1,614,026 alleles (0.013%); highest among the groups gnomAD compares: Middle Eastern, 0.049%; no homozygotes.

Submissions (2):

Labcorp Genetics (formerly Invitae), Labcorp
Classification: Likely benign. Last evaluated: 2025-03-27. Review status: criteria provided, single submitter. Criteria: Invitae Variant Classification Sherloc (09022015). Collection method: clinical testing. Allele origin: germline.

PreventionGenetics, part of Exact Sciences
Classification: Likely benign for CPAMD8-related condition. Last evaluated: 2019-02-21. Review status: no assertion criteria provided. Collection method: clinical testing. Allele origin: germline. Not counted in ClinVar's aggregate classification.
Comment: This variant is classified as likely benign based on ACMG/AMP sequence variant interpretation guidelines (Richards et al. 2015 PMID: 25741868, with internal and published modifications).